The following is an entry in ClinVar:

NM_001004334.4(GPR179):c.1219C>T (p.Arg407Trp)

Gene: GPR179 (G protein-coupled receptor 179; minus strand). Cytogenetic location: 17q12.
Variant type: single nucleotide variant.
Coding change: c.1219C>T on transcript NM_001004334.4 (MANE Select); coding-DNA position 1219, C replaced by T.
Protein change: p.Arg407Trp; replaces arginine 407 with tryptophan.
Molecular consequence: missense variant.
Genome position (GRCh38, 1-based): chr17:38,336,986, G>A on the plus strand (C>T on the coding strand, the complement: GPR179 is on the minus strand). VCF-style: chr17-38336986-G-A. GRCh37 (hg19) VCF-style: chr17-36492869-G-A.
Other names: short protein forms R407W.
Identifiers: ClinVar variation 1901110 (VCV001901110.5), dbSNP rs1468330799, ClinGen allele CA398887537.

ClinVar aggregate classification (germline): Uncertain significance (1 of 4 stars; one submission).

Allele frequency attached by ClinVar (database versions not stated): TOPMed 0.00001; gnomAD 0.00003; gnomAD exomes 0.00003.

Submission:

Labcorp Genetics (formerly Invitae), Labcorp
Classification: Uncertain significance. Last evaluated: 2024-10-24. Review status: criteria provided, single submitter. Criteria: Invitae Variant Classification Sherloc (09022015). Collection method: clinical testing. Allele origin: germline.
Comment: This sequence change replaces arginine, which is basic and polar, with tryptophan, which is neutral and slightly polar, at codon 407 of the GPR179 protein (p.Arg407Trp). This variant is present in population databases (no rsID available, gnomAD 0.01%). This variant has not been reported in the literature in individuals affected with GPR179-related conditions. ClinVar contains an entry for this variant (Variation ID: 1901110). An algorithm developed to predict the effect of missense changes on protein structure and function outputs the following: PolyPhen-2: "Benign". The tryptophan amino acid residue is found in multiple mammalian species, which suggests that this missense change does not adversely affect protein function. In summary, the available evidence is currently insufficient to determine the role of this variant in disease. Therefore, it has been classified as a Variant of Uncertain Significance.